The following is an entry in ClinVar:

NM_000038.6(APC):c.1711G>A (p.Ala571Thr)

Gene: APC (APC regulator of Wnt signaling pathway; plus strand). Cytogenetic location: 5q22.2.
Variant type: single nucleotide variant.
Coding change: c.1711G>A on transcript NM_000038.6 (MANE Select); coding-DNA position 1711, G replaced by A.
Protein change: p.Ala571Thr; replaces alanine 571 with threonine.
Molecular consequence: missense variant.
Genome position (GRCh38, 1-based): chr5:112,828,940, G>A. VCF-style: chr5-112828940-G-A. GRCh37 (hg19) VCF-style: chr5-112164637-G-A.
Other names: c.1711G>A, p.Ala571Thr (NM_001127510.3, NM_001354895.2, NM_001407450.1); c.1657G>A, p.Ala553Thr (NM_001127511.3); c.1765G>A, p.Ala589Thr (NM_001354896.2, NM_001407447.1, NM_001407448.1 and 1 more transcripts); c.1741G>A, p.Ala581Thr (NM_001354897.2); c.1636G>A, p.Ala546Thr (NM_001354898.2); c.1627G>A, p.Ala543Thr (NM_001354899.2); c.1588G>A, p.Ala530Thr (NM_001354900.2); c.1534G>A, p.Ala512Thr (NM_001354901.2, NM_001407453.1); and 11 more; short protein forms A187T, A411T, A445T, A470T, A543T, A561T, A589T, A288T.
Identifiers: ClinVar variation 2769776 (VCV002769776.3), dbSNP rs2149818021, ClinGen allele CA16025046.

ClinVar aggregate classification (germline): Uncertain significance (1 of 4 stars; one submission).

Conditions:
Familial adenomatous polyposis 1 (FAP1). Also called: POLYPOSIS, ADENOMATOUS INTESTINAL; FAMILIAL ADENOMATOUS POLYPOSIS 1, ATTENUATED. Identifiers: MedGen C2713442, MONDO:0021056, OMIM 175100. Disease mechanism: loss of function.

Allele frequency attached by ClinVar (database versions not stated): gnomAD exomes below 0.00001.

Submission:

Labcorp Genetics (formerly Invitae), Labcorp
Classification: Uncertain significance for Familial adenomatous polyposis 1. Last evaluated: 2023-10-18. Review status: criteria provided, single submitter. Criteria: Invitae Variant Classification Sherloc (09022015). Collection method: clinical testing. Allele origin: germline.
Comment: This sequence change replaces alanine, which is neutral and non-polar, with threonine, which is neutral and polar, at codon 571 of the APC protein (p.Ala571Thr). This variant is not present in population databases (gnomAD no frequency). This variant has not been reported in the literature in individuals affected with APC-related conditions. Advanced modeling of protein sequence and biophysical properties (such as structural, functional, and spatial information, amino acid conservation, physicochemical variation, residue mobility, and thermodynamic stability) performed at Invitae indicates that this missense variant is not expected to disrupt APC protein function. In summary, the available evidence is currently insufficient to determine the role of this variant in disease. Therefore, it has been classified as a Variant of Uncertain Significance.